The following is an entry in ClinVar:

ClinVar aggregate classification (germline): Uncertain significance (1 of 4 stars; one submission).

Conditions:
Arrhythmogenic right ventricular dysplasia 8 (ARVD8). Also called: Arrhythmogenic Right Ventricular Dysplasia/Cardiomyopathy 8; ARRHYTHMOGENIC RIGHT VENTRICULAR DYSPLASIA, FAMILIAL, 8; ARRHYTHMOGENIC RIGHT VENTRICULAR CARDIOMYOPATHY 8. Identifiers: MedGen C1843896, MONDO:0011831, OMIM 607450.
Arrhythmogenic cardiomyopathy with wooly hair and keratoderma. Also called: Dilated cardiomyopathy with woolly hair and keratoderma; Carvajal syndrome; Arrhythmogenic cardiomyopathy with woolly hair and keratoderma; PALMOPLANTAR KERATODERMA WITH LEFT VENTRICULAR CARDIOMYOPATHY AND WOOLLY HAIR. Identifiers: Orphanet 65282, MedGen C1854063, MONDO:0011581, OMIM 605676.

Submission:

Labcorp Genetics (formerly Invitae), Labcorp
Classification: Uncertain significance for Arrhythmogenic cardiomyopathy with wooly hair and keratoderma; Arrhythmogenic right ventricular dysplasia 8. Last evaluated: 2022-01-03. Review status: criteria provided, single submitter. Criteria: Invitae Variant Classification Sherloc (09022015). Collection method: clinical testing. Allele origin: germline.
Comment: In summary, the available evidence is currently insufficient to determine the role of this variant in disease. Therefore, it has been classified as a Variant of Uncertain Significance. Algorithms developed to predict the effect of missense changes on protein structure and function output the following: SIFT: "Tolerated"; PolyPhen-2: "Benign"; Align-GVGD: "Class C0". The threonine amino acid residue is found in multiple mammalian species, which suggests that this missense change does not adversely affect protein function. This variant has not been reported in the literature in individuals affected with DSP-related conditions. This variant is not present in population databases (gnomAD no frequency). This sequence change replaces serine, which is neutral and polar, with threonine, which is neutral and polar, at codon 1894 of the DSP protein (p.Ser1894Thr).

NM_004415.4(DSP):c.5681G>C (p.Ser1894Thr)

Gene: DSP (desmoplakin; plus strand). Cytogenetic location: 6p24.3.
Variant type: single nucleotide variant.
Coding change: c.5681G>C on transcript NM_004415.4 (MANE Select); coding-DNA position 5681, G replaced by C.
Protein change: p.Ser1894Thr; replaces serine 1894 with threonine.
Molecular consequence: missense variant.
Genome position (GRCh38, 1-based): chr6:7,582,943, G>C. VCF-style: chr6-7582943-G-C. GRCh37 (hg19) VCF-style: chr6-7583176-G-C.
Other names: c.3884G>C, p.Ser1295Thr (NM_001008844.3); c.4352G>C, p.Ser1451Thr (NM_001319034.2); short protein forms S1295T, S1451T, S1894T.
Identifiers: ClinVar variation 2071274 (VCV002071274.4), dbSNP rs2533937040, ClinGen allele CA362689175.
Genomic context (GRCh38, chr6:7,582,943, plus strand): 5'-AGGAGGAGGCTATTAGGAAGATAGAATCGGAAAGAGAAAAGAGTGAGAGAGAGAAGAACA[G>C]TCTTAGGAGTGAGATCGAAAGACTCCAAGCAGAGATCAAGAGAATTGAAGAGAGGTGCAG-3'
Protein context (NP_004406.2, residues 1884-1904): EREKSEREKN[Ser1894Thr]LRSEIERLQA